The following is an entry in ClinVar:

NM_005359.6(SMAD4):c.1447+9G>A

Gene: SMAD4 (SMAD family member 4; plus strand). Cytogenetic location: 18q21.2.
Variant type: single nucleotide variant.
Coding change: c.1447+9G>A on transcript NM_005359.6 (MANE Select); 9 bases into the intron after coding-DNA position 1447, G replaced by A.
Molecular consequence: intron variant.
Genome position (GRCh38, 1-based): chr18:51,076,785, G>A. VCF-style: chr18-51076785-G-A. GRCh37 (hg19) VCF-style: chr18-48603155-G-A.
Identifiers: ClinVar variation 240145 (VCV000240145.28), dbSNP rs878854766, ClinGen allele CA10583708.

ClinVar aggregate classification (germline): Conflicting classifications of pathogenicity. Review status: criteria provided, conflicting classifications (1 of 4 stars). 7 submissions from 7 submitters: Uncertain significance (1); Likely benign (6). Last evaluated 2026-01-31.

Conditions:
Hereditary cancer-predisposing syndrome. Also called: Tumor predisposition; Neoplastic Syndromes, Hereditary; Hereditary neoplastic syndrome; Hereditary Cancer Syndrome. Identifiers: Orphanet 140162, MedGen C0027672, MeSH D009386, MONDO:0015356.
Juvenile polyposis syndrome (JPS). Identifiers: Orphanet 2929, MedGen C0345893, MONDO:0017380, OMIM 174900.
Juvenile polyposis/hereditary hemorrhagic telangiectasia syndrome (JPHT). Also called: Juvenile Polyposis Syndrome / Hereditary Hemorrhagic Telangiectasia (JPS/HHT); JP/HHT SYNDROME; JUVENILE POLYPOSIS WITH HEREDITARY HEMORRHAGIC TELANGIECTASIA; POLYPOSIS, GENERALIZED JUVENILE, WITH PULMONARY ARTERIOVENOUS MALFORMATION; TELANGIECTASIA, HEREDITARY HEMORRHAGIC, WITH JUVENILE POLYPOSIS COLI. Identifiers: Orphanet 2929, MedGen C1832942, MONDO:0008278, OMIM 175050.

Allele frequency attached by ClinVar (database versions not stated): gnomAD exomes below 0.00001; TOPMed 0.00001.
gnomAD v4.1: 1 of 1,595,666 alleles (0.000063%); highest among the groups gnomAD compares: Admixed American, 0.0017%; no homozygotes.

Submissions (7):

Labcorp Genetics (formerly Invitae), Labcorp
Classification: Likely benign for Juvenile polyposis syndrome. Last evaluated: 2026-01-31. Review status: criteria provided, single submitter. Criteria: Invitae Variant Classification Sherloc (09022015). Collection method: clinical testing. Allele origin: germline.

Quest Diagnostics Nichols Institute San Juan Capistrano
Classification: Uncertain significance. Last evaluated: 2025-10-03. Review status: criteria provided, single submitter. Criteria: Quest Diagnostics criteria. Collection method: clinical testing. Allele origin: unknown.
Comment: The SMAD4 c.1447+9G>A variant has not been reported in individuals with SMAD4-related conditions in the published literature. This variant has not been reported in large, multi-ethnic general populations (Genome Aggregation Database). Analysis of this variant using software algorithms for the prediction of the effect of nucleotide changes on splicing yielded predictions that this variant does not affect SMAD4 mRNA splicing. Based on the available information, we are unable to determine the clinical significance of this variant.

Myriad Genetics, Inc.
Classification: Likely benign for Juvenile polyposis/hereditary hemorrhagic telangiectasia syndrome. Last evaluated: 2025-03-24. Review status: criteria provided, single submitter. Criteria: Myriad Autosomal Dominant, Autosomal Recessive and X-Linked Classification Criteria (2023). Collection method: clinical testing. Allele origin: unknown.
Comment: This variant is considered likely benign. This variant is intronic and is not expected to impact mRNA splicing.

Women's Health and Genetics/Laboratory Corporation of America, LabCorp
Classification: Likely benign. Last evaluated: 2024-12-12. Review status: criteria provided, single submitter. Criteria: LabCorp Variant Classification Summary - May 2015. Collection method: clinical testing. Allele origin: germline.

ARUP Laboratories, Molecular Genetics and Genomics, ARUP Laboratories
Classification: Likely benign. Last evaluated: 2024-04-22. Review status: criteria provided, single submitter. Criteria: ARUP Molecular Germline Variant Investigation Process 2024. Collection method: clinical testing. Allele origin: germline.

Color Diagnostics, LLC DBA Color Health
Classification: Likely benign for Hereditary cancer-predisposing syndrome. Last evaluated: 2018-10-12. Review status: criteria provided, single submitter. Criteria: ACMG Guidelines, 2015. Collection method: clinical testing. Allele origin: germline.

GeneDx
Classification: Likely benign. Last evaluated: 2016-01-04. Review status: criteria provided, single submitter. Criteria: GeneDx Variant Classification (06012015). Collection method: clinical testing. Allele origin: germline. Affected: yes.
Comment: This variant is considered likely benign or benign based on one or more of the following criteria: it is a conservative change, it occurs at a poorly conserved position in the protein, it is predicted to be benign by multiple in silico algorithms, and/or has population frequency not consistent with disease.